The following is an entry in ClinVar:

ClinVar aggregate classification (germline): Uncertain significance (1 of 4 stars; one submission).

Conditions:
Facioscapulohumeral muscular dystrophy 2 (FSHD2). Also called: MUSCULAR DYSTROPHY, FACIOSCAPULOHUMERAL, TYPE 1B; FACIOSCAPULOHUMERAL MUSCULAR DYSTROPHY 2, DIGENIC; FSHD2, DIGENIC. Identifiers: Orphanet 269, MedGen C1834671, MONDO:0008031, OMIM 158901.

Submission:

Labcorp Genetics (formerly Invitae), Labcorp
Classification: Uncertain significance for Facioscapulohumeral muscular dystrophy 2. Last evaluated: 2023-10-05. Review status: criteria provided, single submitter. Criteria: Invitae Variant Classification Sherloc (09022015). Collection method: clinical testing. Allele origin: germline.
Comment: This sequence change falls in intron 37 of the SMCHD1 gene. It does not directly change the encoded amino acid sequence of the SMCHD1 protein. It affects a nucleotide within the consensus splice site. This variant is not present in population databases (gnomAD no frequency). This variant has not been reported in the literature in individuals affected with SMCHD1-related conditions. Variants that disrupt the consensus splice site are a relatively common cause of aberrant splicing (PMID: 17576681, 9536098). Algorithms developed to predict the effect of sequence changes on RNA splicing suggest that this variant is not likely to affect RNA splicing. In summary, the available evidence is currently insufficient to determine the role of this variant in disease. Therefore, it has been classified as a Variant of Uncertain Significance.

Literature cited by the submitters: PubMed 17576681; PubMed 9536098.

NM_015295.3(SMCHD1):c.4719+4A>T

Gene: SMCHD1 (structural maintenance of chromosomes flexible hinge domain containing 1; plus strand). Cytogenetic location: 18p11.32.
Variant type: single nucleotide variant.
Coding change: c.4719+4A>T on transcript NM_015295.3 (MANE Select); 4 bases into the intron after coding-DNA position 4719, A replaced by T.
Molecular consequence: intron variant.
Genome position (GRCh38, 1-based): chr18:2,763,793, A>T. VCF-style: chr18-2763793-A-T. GRCh37 (hg19) VCF-style: chr18-2763791-A-T.
Identifiers: ClinVar variation 2765892 (VCV002765892.3), dbSNP rs1389498389, ClinGen allele CA2697555304.
Genomic context (GRCh38, chr18:2,763,793, plus strand): 5'-ATTGGGAAAGTTAGAACACTTGAATTCCCCTTCGTGAATGGTTCGGCTGAAATCATGGTA[A>T]ATTTTTTATATCTTTTGGTAGATAGAATTTCTGTATTTAATGCTTTTAACCACCATATTA-3'